The following is an entry in ClinVar:

ClinVar aggregate classification (germline): Conflicting classifications of pathogenicity. Review status: criteria provided, conflicting classifications (1 of 4 stars). 8 submissions from 8 submitters: Uncertain significance (1); Benign (2); Likely benign (4). 1 of the submissions does not count toward it. Last evaluated 2026-01-18.

Conditions:
Hereditary cancer-predisposing syndrome. Also called: Tumor predisposition; Hereditary Cancer Syndrome; Hereditary neoplastic syndrome; Neoplastic Syndromes, Hereditary. Identifiers: Orphanet 140162, MedGen C0027672, MeSH D009386, MONDO:0015356.
Familial ovarian cancer. Identifiers: MedGen C5679802, MONDO:0016248.
Familial cancer of breast. Also called: BREAST CANCER, FAMILIAL; hereditary breast carcinoma; Hereditary breast cancer. Identifiers: Orphanet 227535, MedGen C0346153, MONDO:0016419, OMIM 114480. Disease mechanism: loss of function.
Fanconi anemia complementation group J. Also called: BRIP1-Related Fanconi Anemia. Identifiers: Orphanet 84, MedGen C1836860, MONDO:0012187, OMIM 609054.

Allele frequency attached by ClinVar (database versions not stated): ExAC 0.00003; gnomAD exomes 0.00003 and 0.00001; 1000 Genomes Project 30x 0.00016; gnomAD 0.00001; TOPMed 0.00002; 1000 Genomes Project 0.00020.
gnomAD v4.1: 14 of 1,613,604 alleles (0.00087%); highest among the groups gnomAD compares: East Asian, 0.029%; no homozygotes.

Submissions (8):

Labcorp Genetics (formerly Invitae), Labcorp
Classification: Likely benign for Familial cancer of breast; Fanconi anemia complementation group J. Last evaluated: 2026-01-18. Review status: criteria provided, single submitter. Criteria: Invitae Variant Classification Sherloc (09022015). Collection method: clinical testing. Allele origin: germline.

Myriad Genetics, Inc.
Classification: Benign for Familial cancer of breast. Last evaluated: 2024-08-26. Review status: criteria provided, single submitter. Criteria: Myriad Autosomal Dominant, Autosomal Recessive and X-Linked Classification Criteria (2023). Collection method: clinical testing. Allele origin: unknown.
Comment: This variant is considered benign. This variant is a silent/synonymous amino acid change and it is not expected to impact splicing.

Department of Pathology and Laboratory Medicine, Sinai Health System
Classification: Likely benign for familial ovarian cancer. Last evaluated: 2022-03-23. Review status: criteria provided, single submitter. Criteria: ACMG Guidelines, 2015. Collection method: clinical testing. Allele origin: germline. Affected: yes.

Sema4
Classification: Uncertain significance for Hereditary cancer-predisposing syndrome. Last evaluated: 2021-11-16. Review status: criteria provided, single submitter. Criteria: Sema4 Curation Guidelines. Collection method: curation. Allele origin: germline.
Comment: The BRIP1 c.1257G>A (p.R419=) variant has been reported in a prostate cancer case-control study in 1/7636 cases and 4/12366 controls (PMID: 31214711). It was observed in 7/18390 chromosomes of the East Asian subpopulation in the large and broad cohorts of the Genome Aggregation Database (PMID: 32461654). The variant has been reported in ClinVar (Variation ID 182360). In silico tools suggest that the variant may have an impact on splicing, though these predictions have not been confirmed by functional studies. The evidence is insufficient to meet ACMG/AMP criteria for classifying the variant as benign or pathogenic. Thus, the clinical significance of this variant is currently uncertain.

Color Diagnostics, LLC DBA Color Health
Classification: Likely benign for Hereditary cancer-predisposing syndrome. Last evaluated: 2016-12-10. Review status: criteria provided, single submitter. Criteria: ACMG Guidelines, 2015. Collection method: clinical testing. Allele origin: germline.

Ambry Genetics
Classification: Likely benign for Hereditary cancer-predisposing syndrome. Last evaluated: 2016-06-23. Review status: criteria provided, single submitter. Criteria: Ambry Variant Classification Scheme 2023. Collection method: clinical testing. Allele origin: germline.

GeneDx
Classification: Benign. Last evaluated: 2014-07-21. Review status: criteria provided, single submitter. Criteria: GeneDx Variant Classification (06012015). Collection method: clinical testing. Allele origin: germline. Affected: yes.
Comment: This variant is considered likely benign or benign based on one or more of the following criteria: it is a conservative change, it occurs at a poorly conserved position in the protein, it is predicted to be benign by multiple in silico algorithms, and/or has population frequency not consistent with disease.

Leiden Open Variation Database
Classification: Benign. Last evaluated: 2019-08-13. Review status: no assertion criteria provided. Collection method: curation. Allele origin: germline. Affected: yes. Not counted in ClinVar's aggregate classification.
Comment: Curator: Arleen D. Auerbach. Submitter to LOVD: Yukihide Momozawa.

Literature cited by the submitters: PubMed 31214711 (cited by 3 submitters).

NM_032043.3(BRIP1):c.1257G>A (p.Arg419=)

Gene: BRIP1 (BRCA1 interacting DNA helicase 1; minus strand). Cytogenetic location: 17q23.2.
Variant type: single nucleotide variant.
Coding change: c.1257G>A on transcript NM_032043.3 (MANE Select); coding-DNA position 1257, G replaced by A.
Protein change: p.Arg419=; no amino-acid change (arginine 419 retained).
Molecular consequence: synonymous variant.
Genome position (GRCh38, 1-based): chr17:61,799,183, C>T on the plus strand (G>A on the coding strand, the complement: BRIP1 is on the minus strand). VCF-style: chr17-61799183-C-T. GRCh37 (hg19) VCF-style: chr17-59876544-C-T.
Other names: p.R419R:CGG>CGA.
Identifiers: ClinVar variation 182360 (VCV000182360.22), dbSNP rs148429663, ClinGen allele CA298908.
Genomic context (GRCh38, chr17:61,799,183, plus strand): 5'-TCGTAGGGGTTCATGATCTTTCTTCCTTATATTATTGTTGACCATACTATCTAGTTCATC[C>T]CGAGCAAACCGAAGCTGAACTTCTGTTACACTGTAACTTGCTGATTCCCGAGCACAGTCC-3'
Protein context (NP_114432.2, residues 409-429): SVTEVQLRFA[Arg419=]DELDSMVNNN